The following is an entry in ClinVar:

NM_000081.4(LYST):c.2413G>A (p.Glu805Lys)

Gene: LYST (lysosomal trafficking regulator; minus strand). Cytogenetic location: 1q42.3.
Variant type: single nucleotide variant.
Coding change: c.2413G>A on transcript NM_000081.4 (MANE Select); coding-DNA position 2413, G replaced by A.
Protein change: p.Glu805Lys; replaces glutamic acid 805 with lysine.
Molecular consequence: missense variant.
Genome position (GRCh38, 1-based): chr1:235,806,723, C>T on the plus strand (G>A on the coding strand, the complement: LYST is on the minus strand). VCF-style: chr1-235806723-C-T. GRCh37 (hg19) VCF-style: chr1-235970023-C-T.
Other names: c.2413G>A (NM_000081.2); c.2413G>A, p.Glu805Lys (NM_001301365.1); short protein forms E805K.
Identifiers: ClinVar variation 1501363 (VCV001501363.4), dbSNP rs762160809, ClinGen allele CA1467284.

ClinVar aggregate classification (germline): Uncertain significance. Review status: criteria provided, multiple submitters, no conflicts (2 of 4 stars). 2 submissions from 2 submitters: Uncertain significance (2). Last evaluated 2022-10-25.

Conditions:
Inborn genetic diseases. Identifiers: MedGen C0950123, MeSH D030342.
Chédiak-Higashi syndrome (CHS). Also called: Chediak-Higashi Syndrome. Identifiers: Orphanet 167, MedGen C0007965, MONDO:0008963, OMIM 214500.

Allele frequency attached by ClinVar (database versions not stated): gnomAD 0.00001; TOPMed 0.00001; gnomAD exomes 0.00002; ExAC 0.00004.
gnomAD v4.1: 25 of 1,612,866 alleles (0.0016%); highest among the groups gnomAD compares: South Asian, 0.0033%; no homozygotes.

Submissions (2):

Ambry Genetics
Classification: Uncertain significance for Inborn genetic diseases. Last evaluated: 2022-10-25. Review status: criteria provided, single submitter. Criteria: Ambry Variant Classification Scheme 2023. Collection method: clinical testing. Allele origin: germline.

Labcorp Genetics (formerly Invitae), Labcorp
Classification: Uncertain significance for Chédiak-Higashi syndrome. Last evaluated: 2022-06-30. Review status: criteria provided, single submitter. Criteria: Invitae Variant Classification Sherloc (09022015). Collection method: clinical testing. Allele origin: germline.
Comment: This sequence change replaces glutamic acid, which is acidic and polar, with lysine, which is basic and polar, at codon 805 of the LYST protein (p.Glu805Lys). This variant is present in population databases (rs762160809, gnomAD 0.01%). This variant has not been reported in the literature in individuals affected with LYST-related conditions. Algorithms developed to predict the effect of missense changes on protein structure and function are either unavailable or do not agree on the potential impact of this missense change (SIFT: "Tolerated"; PolyPhen-2: "Possibly Damaging"; Align-GVGD: "Class C0"). In summary, the available evidence is currently insufficient to determine the role of this variant in disease. Therefore, it has been classified as a Variant of Uncertain Significance.